The following is an entry in ClinVar:

ClinVar aggregate classification (germline): Uncertain significance (1 of 4 stars; one submission).

Conditions:
Intellectual developmental disorder, autosomal recessive 37. Also called: Intellectual disability-hypotonia-spasticity-sleep disorder syndrome. Identifiers: Orphanet 356996, MedGen C3809672, MONDO:0014210, OMIM 615493.

Submission:

Institute of Human Genetics, University of Leipzig Medical Center
Classification: Uncertain significance for Intellectual developmental disorder, autosomal recessive 37. Last evaluated: 2026-05-21. Review status: criteria provided, single submitter. Criteria: ACMG Guidelines, 2015. Collection method: clinical testing. Allele origin: unknown. Inheritance: Autosomal dominant inheritance. Affected: yes.
Comment: Criteria applied: PM2,PP2,PP3

NM_020987.5(ANK3):c.3635T>C (p.Phe1212Ser)

Gene: ANK3 (ankyrin 3; minus strand). Cytogenetic location: 10q21.2.
Variant type: single nucleotide variant.
Coding change: c.3635T>C on transcript NM_020987.5 (MANE Select); coding-DNA position 3635, T replaced by C.
Protein change: p.Phe1212Ser; replaces phenylalanine 1212 with serine.
Molecular consequence: missense variant.
Genome position (GRCh38, 1-based): chr10:60,086,790, A>G on the plus strand (T>C on the coding strand, the complement: ANK3 is on the minus strand). VCF-style: chr10-60086790-A-G. GRCh37 (hg19) VCF-style: chr10-61846548-A-G.
Other names: c.1037T>C, p.Phe346Ser (NM_001149.4); c.3617T>C, p.Phe1206Ser (NM_001204403.2); c.3638T>C, p.Phe1213Ser (NM_001204404.2); c.3635T>C, p.Phe1212Ser (NM_001320874.2); short protein forms F1206S, F1212S, F1213S, F346S.
Identifiers: ClinVar variation 4857452 (VCV004857452.1).